The following is an entry in ClinVar:

NM_001563.4(IMPG1):c.1982G>A (p.Arg661His)

Gene: IMPG1 (interphotoreceptor matrix proteoglycan 1; minus strand). Cytogenetic location: 6q14.1.
Variant type: single nucleotide variant.
Coding change: c.1982G>A on transcript NM_001563.4 (MANE Select); coding-DNA position 1982, G replaced by A.
Protein change: p.Arg661His; replaces arginine 661 with histidine.
Molecular consequence: missense variant.
Genome position (GRCh38, 1-based): chr6:75,947,376, C>T on the plus strand (G>A on the coding strand, the complement: IMPG1 is on the minus strand). VCF-style: chr6-75947376-C-T. GRCh37 (hg19) VCF-style: chr6-76657093-C-T.
Other names: c.1748G>A, p.Arg583His (NM_001282368.2); c.1982G>A (NM_001563.3); short protein forms R583H, R661H.
Identifiers: ClinVar variation 1056230 (VCV001056230.14), dbSNP rs200128845, ClinGen allele CA3897985.

ClinVar aggregate classification (germline): Conflicting classifications of pathogenicity. Review status: criteria provided, conflicting classifications (1 of 4 stars). 6 submissions from 6 submitters: Pathogenic (1); Uncertain significance (5). Last evaluated 2026-01-28.

Conditions:
Vitelliform macular dystrophy 4. Identifiers: Orphanet 99000, MedGen C4015342, MONDO:0014508, OMIM 616151.
Retinal dystrophy. Also called: Inherited retinal dystrophy. Identifiers: Orphanet 71862, MedGen C0854723, MeSH D058499, MONDO:0019118, HP:0000556.
IMPG1-related disorder. Also called: IMPG1-related condition.

Allele frequency attached by ClinVar (database versions not stated): TOPMed 0.00002; gnomAD 0.00003.
gnomAD v4.1: 16 of 1,613,838 alleles (0.00099%); highest among the groups gnomAD compares: African/African-American, 0.0053%; no homozygotes.

Submissions (6):

PreventionGenetics, part of Exact Sciences
Classification: Uncertain significance for IMPG1-related condition. Last evaluated: 2026-01-28. Review status: criteria provided, single submitter. Criteria: ACMG Guidelines, 2015. Collection method: clinical testing. Allele origin: germline.
Comment: The IMPG1 c.1982G>A variant is predicted to result in the amino acid substitution p.Arg661His. This variant has been reported in the heterozygous and homozygous states in individuals with retinitis pigmentosa, cone-rod dystrophy or macular degeneration (Table S2, Kersten et al. 2018. PubMed ID: 30215852; Table S2, Martin-Merida et al. 2019. PubMed ID: 30902645; Olivier et al. 2020. PubMed ID: 32817297). This variant segregated in two siblings in the homozygous state (Olivier et al. 2020. PubMed ID: 32817297). This variant is reported in 0.0040% of alleles in individuals of African descent in gnomAD. Although we suspect that this variant may be pathogenic in the homozgous state, at this time, the clinical significance of this variant is uncertain due to the absence of conclusive functional and genetic evidence. In the heterozygous state, the clinical significance of this variant is uncertain due to the absence of conclusive functional and genetic evidence at this time.

Labcorp Genetics (formerly Invitae), Labcorp
Classification: Uncertain significance. Last evaluated: 2025-12-30. Review status: criteria provided, single submitter. Criteria: Invitae Variant Classification Sherloc (09022015). Collection method: clinical testing. Allele origin: germline.
Comment: This sequence change replaces arginine, which is basic and polar, with histidine, which is basic and polar, at codon 661 of the IMPG1 protein (p.Arg661His). This variant is present in population databases (rs200128845, gnomAD 0.004%). This missense change has been observed in individual(s) with age-related macular degeneration and/or inherited retinal dystrophy (PMID: 30215852, 30902645, 32817297). ClinVar contains an entry for this variant (Variation ID: 1056230). An algorithm developed to predict the effect of missense changes on protein structure and function (PolyPhen-2) suggests that this variant is likely to be tolerated. In summary, the available evidence is currently insufficient to determine the role of this variant in disease. Therefore, it has been classified as a Variant of Uncertain Significance.

Genomic Medicine Center of Excellence, King Faisal Specialist Hospital and Research Centre
Classification: Uncertain significance for Vitelliform macular dystrophy 4. Last evaluated: 2024-12-18. Review status: criteria provided, single submitter. Criteria: ACMG Guidelines, 2015. Collection method: clinical testing. Allele origin: germline.

Blueprint Genetics
Classification: Pathogenic for IMPG1-related disorders. Last evaluated: 2024-05-17. Review status: criteria provided, single submitter. Criteria: ACMG Guidelines, 2015. Collection method: clinical testing. Allele origin: germline. Affected: yes. Observed: 5 variant alleles.

Dept Of Ophthalmology, Nagoya University
Classification: Uncertain significance for Retinal dystrophy. Last evaluated: 2023-10-01. Review status: criteria provided, single submitter. Criteria: Submitter's publication. Collection method: research. Allele origin: germline. Affected: yes.

Institute of Human Genetics, Univ. Regensburg, Univ. Regensburg
Classification: Uncertain significance for Retinal dystrophy. Last evaluated: 2015-01-01. Review status: criteria provided, single submitter. Criteria: ACMG Guidelines, 2015. Collection method: clinical testing. Allele origin: germline. Affected: yes.

Literature cited by the submitters: PubMed 30215852 (cited by Labcorp Genetics (formerly Invitae), Labcorp and Institute of Human Genetics, Univ. Regensburg, Univ. Regensburg); PubMed 30902645 (cited by Labcorp Genetics (formerly Invitae), Labcorp and Institute of Human Genetics, Univ. Regensburg, Univ. Regensburg); PubMed 32817297 (cited by Labcorp Genetics (formerly Invitae), Labcorp and Institute of Human Genetics, Univ. Regensburg, Univ. Regensburg).